The following is an entry in ClinVar:

ClinVar aggregate classification (germline): Pathogenic (1 of 4 stars; one submission).

Conditions:
Developmental and epileptic encephalopathy, 2 (DEE2). Also called: INFANTILE SPASM SYNDROME, X-LINKED 2; CDKL5 deficiency disorder. Identifiers: Orphanet 1934, Orphanet 3451, Orphanet 505652, MedGen C4750718, MONDO:0010396, OMIM 300672.

Submission:

Center of Genomic medicine, Geneva, University Hospital of Geneva
Classification: Pathogenic for Developmental and epileptic encephalopathy, 2. Last evaluated: 2016-04-06. Review status: criteria provided, single submitter. Criteria: ACMG Guidelines, 2015. Collection method: clinical testing. Allele origin: de novo. Affected: yes.

NM_001323289.2(CDKL5):c.747dup (p.Pro250fs)

Gene: CDKL5 (cyclin dependent kinase like 5; plus strand). Cytogenetic location: Xp22.13.
Variant type: Duplication.
Coding change: c.747dup on transcript NM_001323289.2 (MANE Select); coding-DNA position 747, one base duplicated (T; older notation c.747dupT).
Protein change: p.Pro250fs; shifts the reading frame from proline 250.
Molecular consequence: frameshift variant.
Genome position (GRCh38, 1-based): chrX:18,595,350, T duplicated; the last of 3 consecutive T bases (chrX:18,595,348-18,595,350); duplicating any one gives the same sequence. VCF-style (leftmost placement, unchanged base first): chrX-18595347-G-GT. GRCh37 (hg19) VCF-style: chrX-18613467-G-GT.
Other names: c.747dup, p.Pro250fs (NM_001037343.2, NM_003159.3); c.747dupT (NM_003159.2); short protein forms P250fs.
Identifiers: ClinVar variation 226116 (VCV000226116.2), dbSNP rs875989880, ClinGen allele CA10576255.